The following is an entry in ClinVar:

ClinVar aggregate classification (germline): Uncertain significance. Review status: criteria provided, multiple submitters, no conflicts (2 of 4 stars). 2 submissions from 2 submitters: Uncertain significance (2). Last evaluated 2023-05-27.

Conditions:
Hereditary cancer-predisposing syndrome. Also called: Hereditary neoplastic syndrome; Neoplastic Syndromes, Hereditary; Tumor predisposition; Hereditary Cancer Syndrome. Identifiers: Orphanet 140162, MedGen C0027672, MeSH D009386, MONDO:0015356.
Tuberous sclerosis 1 (TSC1). Identifiers: Orphanet 805, MedGen C1854465, MONDO:0008612, OMIM 191100.

Submissions (2):

Ambry Genetics
Classification: Uncertain significance for Hereditary cancer-predisposing syndrome. Last evaluated: 2023-05-27. Review status: criteria provided, single submitter. Criteria: Ambry Variant Classification Scheme 2023. Collection method: clinical testing. Allele origin: germline.
Comment: The p.K632R variant (also known as c.1895A>G), located in coding exon 13 of the TSC1 gene, results from an A to G substitution at nucleotide position 1895. The lysine at codon 632 is replaced by arginine, an amino acid with highly similar properties. This amino acid position is conserved. In addition, this alteration is predicted to be tolerated by in silico analysis. Since supporting evidence is limited at this time, the clinical significance of this alteration remains unclear.

Labcorp Genetics (formerly Invitae), Labcorp
Classification: Uncertain significance for Tuberous sclerosis 1. Last evaluated: 2017-04-27. Review status: criteria provided, single submitter. Criteria: Invitae Variant Classification Sherloc (09022015). Collection method: clinical testing. Allele origin: germline.
Comment: In summary, this variant is a novel missense change that is not predicted to affect protein function. There is no indication that it causes disease, but the available evidence is currently insufficient to prove that conclusively. Therefore, it has been classified as a Variant of Uncertain Significance. Algorithms developed to predict the effect of missense changes on protein structure and function (SIFT, PolyPhen-2, Align-GVGD) all suggest that this variant is likely to be tolerated, but these predictions have not been confirmed by published functional studies. This variant is not present in population databases (ExAC no frequency) and has not been reported in the literature in individuals with a TSC1-related disease. This sequence change replaces lysine with arginine at codon 632 of the TSC1 protein (p.Lys632Arg). The lysine residue is moderately conserved and there is a small physicochemical difference between lysine and arginine.

NM_000368.5(TSC1):c.1895A>G (p.Lys632Arg)

Gene: TSC1 (TSC complex subunit 1; minus strand). Cytogenetic location: 9q34.13.
Variant type: single nucleotide variant.
Coding change: c.1895A>G on transcript NM_000368.5 (MANE Select); coding-DNA position 1895, A replaced by G.
Protein change: p.Lys632Arg; replaces lysine 632 with arginine.
Molecular consequence: missense variant.
Genome position (GRCh38, 1-based): chr9:132,905,683, T>C on the plus strand (A>G on the coding strand, the complement: TSC1 is on the minus strand). VCF-style: chr9-132905683-T-C. GRCh37 (hg19) VCF-style: chr9-135781070-T-C.
Other names: c.1892A>G, p.Lys631Arg (NM_001162426.2); c.1742A>G, p.Lys581Arg (NM_001162427.2); c.1532A>G, p.Lys511Arg (NM_001362177.2); short protein forms K632R, K631R, K581R, K511R.
Identifiers: ClinVar variation 466049 (VCV000466049.10), dbSNP rs1554815747, ClinGen allele CA375362849.
Genomic context (GRCh38, chr9:132,905,683, plus strand): 5'-AGTCTGTCCAGCACTTCCATTGGGGAGGTAGAGGGCACACCATCTTCCTCTGTGTTTCCT[T>C]TTGCTTTCTTTAACAGCTCCTCAGTCTTCCTGATGACAAAATGATGGGCTGTCTTTGGCA-3'
Protein context (NP_000359.1, residues 622-642): RKTEELLKKA[Lys632Arg]GNTEEDGVPS